The following is an entry in ClinVar:

NM_000089.4(COL1A2):c.324+15C>T

Gene: COL1A2 (collagen type I alpha 2 chain; plus strand). Cytogenetic location: 7q21.3.
Variant type: single nucleotide variant.
Coding change: c.324+15C>T on transcript NM_000089.4 (MANE Select); 15 bases into the intron after coding-DNA position 324, C replaced by T.
Molecular consequence: intron variant.
Genome position (GRCh38, 1-based): chr7:94,404,615, C>T. VCF-style: chr7-94404615-C-T. GRCh37 (hg19) VCF-style: chr7-94033927-C-T.
Identifiers: ClinVar variation 1520070 (VCV001520070.12), dbSNP rs371250316, ClinGen allele CA4346623.

ClinVar aggregate classification (germline): Conflicting classifications of pathogenicity. Review status: criteria provided, conflicting classifications (1 of 4 stars). 4 submissions from 4 submitters: Uncertain significance (1); Likely benign (3). Last evaluated 2026-02-02.

Conditions:
Ehlers-Danlos syndrome, classic type, 1 (EDSCL1). Also called: EHLERS-DANLOS SYNDROME, GRAVIS TYPE; EHLERS-DANLOS SYNDROME, SEVERE CLASSIC TYPE; Ehlers-Danlos syndrome, type 1; Ehlers-Danlos Syndrome, Classic Type, COL5A1-Related; EDS I. Identifiers: MedGen C0268335, MONDO:0019567, OMIM 130000.
Osteogenesis imperfecta type I (OI1). Also called: OI, TYPE I; OSTEOGENESIS IMPERFECTA TARDA; OSTEOGENESIS IMPERFECTA WITH BLUE SCLERAE; Osteogenesis imperfecta type 1; Lobstein's Disease; Lobstein disease. Identifiers: Orphanet 216796, Orphanet 666, MedGen C0023931, MONDO:0008146, OMIM 166200. Disease mechanism: loss of function.

Allele frequency attached by ClinVar (database versions not stated): ExAC 0.00001; TOPMed 0.00002; gnomAD exomes 0.00005 and 0.00001; gnomAD 0.00001; ESP Exome Variant Server 0.00008.
gnomAD v4.1: 69 of 1,613,948 alleles (0.0043%); highest among the groups gnomAD compares: Non-Finnish European, 0.0056%; no homozygotes.

Submissions (4):

Labcorp Genetics (formerly Invitae), Labcorp
Classification: Likely benign for Osteogenesis imperfecta type I; Ehlers-Danlos syndrome, classic type, 1. Last evaluated: 2026-02-02. Review status: criteria provided, single submitter. Criteria: Invitae Variant Classification Sherloc (09022015). Collection method: clinical testing. Allele origin: germline.

Women's Health and Genetics/Laboratory Corporation of America, LabCorp
Classification: Likely benign. Last evaluated: 2025-10-29. Review status: criteria provided, single submitter. Criteria: LabCorp Variant Classification Summary - May 2015. Collection method: clinical testing. Allele origin: germline.

ARUP Laboratories, Molecular Genetics and Genomics, ARUP Laboratories
Classification: Likely benign. Last evaluated: 2025-02-21. Review status: criteria provided, single submitter. Criteria: ARUP Molecular Germline Variant Investigation Process 2024. Collection method: clinical testing. Allele origin: germline.

GeneDx
Classification: Uncertain significance. Last evaluated: 2022-03-15. Review status: criteria provided, single submitter. Criteria: GeneDx Variant Classification Process June 2021. Collection method: clinical testing. Allele origin: germline. Affected: yes.
Comment: Not observed at significant frequency in large population cohorts (gnomAD); Has not been previously published as pathogenic or benign to our knowledge; In-silico analysis is inconclusive as to whether the variant alters gene splicing. In the absence of RNA/functional studies, the actual effect of this sequence change is unknown.